The following is an entry in ClinVar:

NM_000152.5(GAA):c.1559A>T (p.Asn520Ile)

Gene: GAA (alpha glucosidase; plus strand). Cytogenetic location: 17q25.3.
Variant type: single nucleotide variant.
Coding change: c.1559A>T on transcript NM_000152.5 (MANE Select); coding-DNA position 1559, A replaced by T.
Protein change: p.Asn520Ile; replaces asparagine 520 with isoleucine.
Molecular consequence: missense variant.
Genome position (GRCh38, 1-based): chr17:80,110,948, A>T. VCF-style: chr17-80110948-A-T. GRCh37 (hg19) VCF-style: chr17-78084747-A-T.
Other names: c.1559A>T, p.Asn520Ile (NM_001079803.3, NM_001079804.3, NM_001406741.1 and 1 more transcripts); short protein forms N520I.
Identifiers: ClinVar variation 3065656 (VCV003065656.3), dbSNP rs1555600852, ClinGen allele CA401367198.

ClinVar aggregate classification (germline): Conflicting classifications of pathogenicity. Review status: criteria provided, conflicting classifications (1 of 4 stars). 3 submissions from 3 submitters: Pathogenic (1); Uncertain significance (2). Last evaluated 2026-07-01.

Conditions:
Glycogen storage disease, type II (IOPD). Also called: Glucosidase acid-1,4-alpha deficiency; CARDIOMEGALIA GLYCOGENICA DIFFUSA; GLYCOGENOSIS, GENERALIZED, CARDIAC FORM; GSD II; Pompe Disease; ACID MALTASE DEFICIENCY, INFANTILE-ONSET. Identifiers: Orphanet 365, MedGen C0017921, MONDO:0009290, OMIM 232300.

Submissions (3):

Genomenon, Inc
Classification: Uncertain significance for Glycogen storage disease, type II. Last evaluated: 2026-07-01. Review status: criteria provided, single submitter. Criteria: Genomenon Sequence Variant Interpretation Standards - Updated. Collection method: curation. Allele origin: germline. Affected: yes.
Comment: GAA p.Asn520Ile (c.1559A>T) is a missense variant that changes the amino acid at codon 520 from Asparagine to Isoleucine. This variant has been observed in at least one proband with a GAA-related disorder (PMID:40225932). It is absent or not present at a significant frequency in gnomAD. In silico models predict that this variant is possibly or probably damaging. In conclusion, we classify GAA p.Asn520Ile (c.1559A>T) as a variant of uncertain significance.

Genomic Medicine Center of Excellence, King Faisal Specialist Hospital and Research Centre
Classification: Pathogenic for Glycogen storage disease, type II. Last evaluated: 2024-03-29. Review status: criteria provided, single submitter. Criteria: ACMG Guidelines, 2015. Collection method: clinical testing. Allele origin: germline.

Blueprint Genetics
Classification: Uncertain significance. Last evaluated: 2021-10-11. Review status: criteria provided, single submitter. Criteria: ACMG Guidelines, 2015. Collection method: clinical testing. Allele origin: germline.

Literature cited by the submitters: PubMed 40225932 (cited by Genomenon, Inc).